The following is an entry in ClinVar:

ClinVar aggregate classification (germline): Benign/Likely benign. Review status: criteria provided, multiple submitters, no conflicts (2 of 4 stars). 11 submissions from 11 submitters: Benign (3); Likely benign (5). 3 of the submissions do not count toward it. Last evaluated 2026-08-01.

Conditions:
CNTNAP2-related disorder. Also called: CNTNAP2-related condition.
Inborn genetic diseases. Identifiers: MedGen C0950123, MeSH D030342.
Cortical dysplasia-focal epilepsy syndrome (PTHSL1). Also called: Pitt-Hopkins-like syndrome 1. Identifiers: Orphanet 163681, Orphanet 221150, MedGen C2750246, MONDO:0012400, OMIM 610042.

Allele frequency attached by ClinVar (database versions not stated): 1000 Genomes Project 0.00100; 1000 Genomes Project 30x 0.00109; TOPMed 0.00257; ESP Exome Variant Server 0.00331; ExAC 0.00336; gnomAD 0.00336 and 0.00340; gnomAD exomes 0.00343 and 0.00350.
gnomAD v4.1: 5,588 of 1,613,648 alleles (0.35%); highest among the groups gnomAD compares: South Asian, 0.4%; 16 homozygotes.

Submissions (11):

CeGaT Center for Human Genetics Tuebingen
Classification: Likely benign. Last evaluated: 2026-08-01. Review status: criteria provided, single submitter. Criteria: CeGaT Center For Human Genetics Tuebingen Variant Classification Criteria Version 2. Collection method: clinical testing. Allele origin: germline. Affected: yes. Observed: 31 variant alleles.
Comment: CNTNAP2: BP4, BP7

Labcorp Genetics (formerly Invitae), Labcorp
Classification: Benign for Cortical dysplasia-focal epilepsy syndrome. Last evaluated: 2026-01-28. Review status: criteria provided, single submitter. Criteria: Invitae Variant Classification Sherloc (09022015). Collection method: clinical testing. Allele origin: germline.

Blueprint Genetics
Classification: Likely benign. Last evaluated: 2024-11-25. Review status: criteria provided, single submitter. Criteria: ACMG Guidelines, 2015. Collection method: clinical testing. Allele origin: germline.

Athena Diagnostics
Classification: Benign. Last evaluated: 2017-11-20. Review status: criteria provided, single submitter. Criteria: Athena Diagnostics Criteria. Collection method: clinical testing. Allele origin: germline.

Ambry Genetics
Classification: Likely benign for Inborn genetic diseases. Last evaluated: 2016-08-16. Review status: criteria provided, single submitter. Criteria: Ambry Variant Classification Scheme 2023. Collection method: clinical testing. Allele origin: germline.

Eurofins Ntd Llc (ga)
Classification: Likely benign. Last evaluated: 2016-07-21. Review status: criteria provided, single submitter. Criteria: EGL Classification Definitions 2015. Collection method: clinical testing. Allele origin: germline. Observed: 2 variant alleles, 2 heterozygotes.

Genetic Services Laboratory, University of Chicago
Classification: Likely benign. Last evaluated: 2015-06-01. Review status: criteria provided, single submitter. Criteria: ACMG Guidelines, 2015. Collection method: clinical testing. Allele origin: germline.

GeneDx
Classification: Benign. Last evaluated: 2015-03-03. Review status: criteria provided, single submitter. Criteria: GeneDx Variant Classification Process June 2021. Collection method: clinical testing. Allele origin: germline. Affected: yes.

PreventionGenetics, part of Exact Sciences
Classification: Benign for CNTNAP2-related condition. Last evaluated: 2023-01-05. Review status: no assertion criteria provided. Collection method: clinical testing. Allele origin: germline. Not counted in ClinVar's aggregate classification.
Comment: This variant is classified as benign based on ACMG/AMP sequence variant interpretation guidelines (Richards et al. 2015 PMID: 25741868, with internal and published modifications).

Clinical Genetics DNA and cytogenetics Diagnostics Lab, Erasmus MC, Erasmus Medical Center
Classification: Likely benign. Review status: no assertion criteria provided. Collection method: clinical testing. Allele origin: germline. Affected: yes. Study: VKGL Data-share Consensus. Not counted in ClinVar's aggregate classification.

Genome Diagnostics Laboratory, University Medical Center Utrecht
Classification: Benign. Review status: no assertion criteria provided. Collection method: clinical testing. Allele origin: germline. Affected: yes. Study: VKGL Data-share Consensus. Not counted in ClinVar's aggregate classification.

NM_014141.6(CNTNAP2):c.1311C>T (p.Ile437=)

Gene: CNTNAP2 (contactin associated protein 2; plus strand). Cytogenetic location: 7q35.
Variant type: single nucleotide variant.
Coding change: c.1311C>T on transcript NM_014141.6 (MANE Select); coding-DNA position 1311, C replaced by T.
Protein change: p.Ile437=; no amino-acid change (isoleucine 437 retained).
Molecular consequence: synonymous variant.
Genome position (GRCh38, 1-based): chr7:147,132,472, C>T. VCF-style: chr7-147132472-C-T. GRCh37 (hg19) VCF-style: chr7-146829564-C-T.
Identifiers: ClinVar variation 166910 (VCV000166910.61), dbSNP rs56356283, ClinGen allele CA208464.